The following is an entry in ClinVar:

ClinVar aggregate classification (germline): Pathogenic. Review status: criteria provided, multiple submitters, no conflicts (2 of 4 stars). 5 submissions from 5 submitters: Pathogenic (4). 1 of the submissions does not count toward it. Last evaluated 2025-11-25.

Conditions:
RPGR-related disorder. Also called: RPGR-related condition.
Primary ciliary dyskinesia. Also called: Ciliary dyskinesia. Identifiers: Orphanet 244, MedGen C0008780, MONDO:0016575, HP:0012265.
Retinal disorder. Also called: Retinopathy; Retinopathies; Retinal Diseases; Retinal disorders. Identifiers: MedGen C0035309, MONDO:0005283, HP:0000488.

Submissions (5):

Genetics Laboratory, Great Ormond Street Hospital NHS Foundation Trust, North Thames Genomic Laboratory Hub
Classification: Pathogenic for Retinal disorders. Last evaluated: 2025-11-25. Review status: criteria provided, single submitter. Criteria: ACGS Best Practice Guidelines for Variant Classification in Rare Disease 2024 v1.2. Collection method: clinical testing. Allele origin: germline. Affected: yes.
Comment: PS4_supporting, PM2_moderate, PVS1_very-strong

GeneDx
Classification: Pathogenic. Last evaluated: 2023-05-25. Review status: criteria provided, single submitter. Criteria: GeneDx Variant Classification Process June 2021. Collection method: clinical testing. Allele origin: germline. Affected: yes.
Comment: Not observed at significant frequency in large population cohorts (gnomAD); Nonsense variant predicted to result in protein truncation or nonsense mediated decay in a gene for which loss of function is a known mechanism of disease; This variant is associated with the following publications: (PMID: 25525159, 8673101)

Blueprint Genetics
Classification: Pathogenic for RPGR-related disorders. Last evaluated: 2022-10-27. Review status: criteria provided, single submitter. Criteria: ACMG Guidelines, 2015. Collection method: clinical testing. Allele origin: germline. Affected: yes. Observed: 1 variant allele.

Labcorp Genetics (formerly Invitae), Labcorp
Classification: Pathogenic for Primary ciliary dyskinesia. Last evaluated: 2020-03-31. Review status: criteria provided, single submitter. Criteria: Invitae Variant Classification Sherloc (09022015). Collection method: clinical testing. Allele origin: germline.
Comment: For these reasons, this variant has been classified as Pathogenic. Loss-of-function variants in RPGR are known to be pathogenic (PMID: 8673101,10932196, 16055928). Algorithms developed to predict the effect of sequence changes on RNA splicing suggest that this variant may create or strengthen a splice site, but this prediction has not been confirmed by published transcriptional studies. This variant has been observed in individual(s) with X-linked retinitis pigmentosa (PMID: 8673101). ClinVar contains an entry for this variant (Variation ID: 98790). This variant is not present in population databases (ExAC no frequency). This sequence change creates a premature translational stop signal (p.Trp194*) in the RPGR gene. It is expected to result in an absent or disrupted protein product.

Retina International
No classification provided. Review status: no classification provided. Collection method: not provided. Allele origin: not provided. Not counted in ClinVar's aggregate classification.

Literature cited by the submitters: PubMed 8673101 (cited by Labcorp Genetics (formerly Invitae), Labcorp); PubMed 10932196 (cited by Labcorp Genetics (formerly Invitae), Labcorp); PubMed 16055928 (cited by Labcorp Genetics (formerly Invitae), Labcorp).

NM_001034853.2(RPGR):c.581G>A (p.Trp194Ter)

Gene: RPGR (retinitis pigmentosa GTPase regulator; minus strand). Cytogenetic location: Xp11.4.
Variant type: single nucleotide variant.
Coding change: c.581G>A on transcript NM_001034853.2 (MANE Select); coding-DNA position 581, G replaced by A.
Protein change: p.Trp194Ter; replaces tryptophan 194 with a stop codon.
Molecular consequence: nonsense. On other transcripts: non-coding transcript variant (5).
Genome position (GRCh38, 1-based): chrX:38,317,354, C>T on the plus strand (G>A on the coding strand, the complement: RPGR is on the minus strand). VCF-style: chrX-38317354-C-T. GRCh37 (hg19) VCF-style: chrX-38176607-C-T.
Other names: c.581G>A, p.Trp194Ter (NM_000328.3, NM_001367245.1, NM_001367246.1 and 3 more transcripts); c.611G>A, p.Trp204Ter (NM_001367248.1); c.578G>A, p.Trp193Ter (NM_001367249.1); c.581G>A (NM_001034853.1); short protein forms W194*, W204*, W193*.
Identifiers: ClinVar variation 98790 (VCV000098790.14), dbSNP rs62650216, ClinGen allele CA226427.